The following is an entry in ClinVar:

NM_007144.3(PCGF2):c.271A>G (p.Met91Val)

Gene: PCGF2 (polycomb group ring finger 2; minus strand). Cytogenetic location: 17q12.
Variant type: single nucleotide variant.
Coding change: c.271A>G on transcript NM_007144.3 (MANE Select); coding-DNA position 271, A replaced by G.
Protein change: p.Met91Val; replaces methionine 91 with valine.
Molecular consequence: missense variant.
Genome position (GRCh38, 1-based): chr17:38,739,113, T>C on the plus strand (A>G on the coding strand, the complement: PCGF2 is on the minus strand). VCF-style: chr17-38739113-T-C. GRCh37 (hg19) VCF-style: chr17-36895366-T-C.
Other names: c.271A>G, p.Met91Val (NM_001369614.1, NM_001369615.1); c.271A>G (NM_007144.2); short protein forms M91V.
Identifiers: ClinVar variation 4762374 (VCV004762374.3).

ClinVar aggregate classification (germline): Uncertain significance. Review status: criteria provided, multiple submitters, no conflicts (2 of 4 stars). 3 submissions from 3 submitters: Uncertain significance (3). Last evaluated 2026-06-18.

Conditions:
PCGF2-related disorder. Also called: PCGF2-related condition.

gnomAD v4.1: 5 of 1,613,838 alleles (0.00031%); highest among the groups gnomAD compares: Non-Finnish European, 0.00034%; no homozygotes.

Submissions (3):

PreventionGenetics, part of Exact Sciences
Classification: Uncertain significance for PCGF2-related condition. Last evaluated: 2026-06-18. Review status: criteria provided, single submitter. Criteria: ACMG Guidelines, 2015. Collection method: clinical testing. Allele origin: germline.
Comment: The PCGF2 c.271A>G variant is predicted to result in the amino acid substitution p.Met91Val. To our knowledge, this variant has not been reported in the literature. This variant is reported in 0.00088% of alleles in individuals of European (Non-Finnish) descent in gnomAD. At this time, the clinical significance of this variant is uncertain due to the absence of conclusive functional and genetic evidence.

Labcorp Genetics (formerly Invitae), Labcorp
Classification: Uncertain significance. Last evaluated: 2026-01-30. Review status: criteria provided, single submitter. Criteria: Invitae Variant Classification Sherloc (09022015). Collection method: clinical testing. Allele origin: germline.
Comment: This sequence change replaces methionine, which is neutral and non-polar, with valine, which is neutral and non-polar, at codon 91 of the PCGF2 protein (p.Met91Val). This variant is present in population databases (no rsID available, gnomAD 0.0009%). This variant has not been reported in the literature in individuals affected with PCGF2-related conditions. Invitae Evidence Modeling of protein sequence and biophysical properties (such as structural, functional, and spatial information, amino acid conservation, physicochemical variation, residue mobility, and thermodynamic stability) has been performed for this missense variant. However, the output from this modeling did not meet the statistical confidence thresholds required to predict the impact of this variant on PCGF2 protein function. In summary, the available evidence is currently insufficient to determine the role of this variant in disease. Therefore, it has been classified as a Variant of Uncertain Significance.

Blueprint Genetics
Classification: Uncertain significance. Last evaluated: 2021-07-23. Review status: criteria provided, single submitter. Criteria: ACMG Guidelines, 2015. Collection method: clinical testing. Allele origin: germline.